The following is an entry in ClinVar:

NM_006618.5(KDM5B):c.4281del (p.Lys1428fs)

Gene: KDM5B (lysine demethylase 5B; minus strand). Cytogenetic location: 1q32.1.
Variant type: Deletion.
Coding change: c.4281del on transcript NM_006618.5 (MANE Select); coding-DNA position 4281, one base deleted (T; older notation c.4281delT).
Protein change: p.Lys1428fs; shifts the reading frame from lysine 1428.
Molecular consequence: frameshift variant.
Genome position (GRCh38, 1-based): chr1:202,729,923, A deleted on the plus strand (T on the coding strand, the reverse complement: KDM5B is on the minus strand); the first of 2 consecutive A bases (chr1:202,729,923-202,729,924); deleting either gives the same sequence. VCF-style (leftmost placement, unchanged base first): chr1-202729922-TA-T. GRCh37 (hg19) VCF-style: chr1-202699050-TA-T.
Other names: c.4389del, p.Lys1464fs (NM_001314042.2); c.4146del, p.Lys1383fs (NM_001347591.2); c.4266del, p.Lys1423fs (NM_001399817.1); short protein forms K1383fs, K1428fs, K1464fs, K1423fs.
Identifiers: ClinVar variation 1308277 (VCV001308277.4), dbSNP rs2102207884, ClinGen allele CA2573051463.

ClinVar aggregate classification (germline): Likely pathogenic (1 of 4 stars; one submission).

Submission:

GeneDx
Classification: Likely pathogenic. Last evaluated: 2024-09-24. Review status: criteria provided, single submitter. Criteria: GeneDx Variant Classification Process June 2021. Collection method: clinical testing. Allele origin: germline. Affected: yes.
Comment: Frameshift variant predicted to result in protein truncation or nonsense mediated decay in a gene for which loss of function is a known mechanism of disease; Not observed at significant frequency in large population cohorts (gnomAD); Has not been previously published as pathogenic or benign to our knowledge